The following is an entry in ClinVar:

NM_016239.4(MYO15A):c.4351G>C (p.Asp1451His)

Gene: MYO15A (myosin XVA; plus strand). Cytogenetic location: 17p11.2.
Variant type: single nucleotide variant.
Coding change: c.4351G>C on transcript NM_016239.4 (MANE Select); coding-DNA position 4351, G replaced by C.
Protein change: p.Asp1451His; replaces aspartic acid 1451 with histidine.
Molecular consequence: missense variant.
Genome position (GRCh38, 1-based): chr17:18,133,255, G>C. VCF-style: chr17-18133255-G-C. GRCh37 (hg19) VCF-style: chr17-18036569-G-C.
Other names: short protein forms D1451H.
Identifiers: ClinVar variation 3601336 (VCV003601336.1).
Genomic context (GRCh38, chr17:18,133,255, plus strand): 5'-CCCTGACCCTCAGCCTCTGCCCTCATGCAGGGTGGGAACTGTGAGATAGCAGGAAAGAGC[G>C]ATGCAGATGACTTTCGCCGGCTCCTGGCTGCCATGGAGGTGTTGGGCTTCAGCAGTGAGG-3'
Protein context (NP_057323.3, residues 1441-1461): GGNCEIAGKS[Asp1451His]ADDFRRLLAA

ClinVar aggregate classification (germline): Likely pathogenic (1 of 4 stars; one submission).

Conditions:
Autosomal recessive nonsyndromic hearing loss 3. Also called: NEUROSENSORY NONSYNDROMIC RECESSIVE DEAFNESS 3. Identifiers: Orphanet 90636, MedGen C1838263, MONDO:0010860, OMIM 600316.

Submission:

Institute of Rare Diseases, West China Hospital, Sichuan University
Classification: Likely pathogenic for Autosomal recessive nonsyndromic hearing loss 3. Last evaluated: 2025-01-09. Review status: criteria provided, single submitter. Criteria: ClinGen HL ACMG Specifications v1. Collection method: research. Allele origin: germline. Affected: yes.
Comment: PM3;PM5;PM2_Supporting;PP3